The following is an entry in ClinVar:

NM_007194.4(CHEK2):c.1454G>C (p.Trp485Ser)

Gene: CHEK2 (checkpoint kinase 2; minus strand). Cytogenetic location: 22q12.1.
Variant type: single nucleotide variant.
Coding change: c.1454G>C on transcript NM_007194.4 (MANE Select); coding-DNA position 1454, G replaced by C.
Protein change: p.Trp485Ser; replaces tryptophan 485 with serine.
Molecular consequence: missense variant.
Genome position (GRCh38, 1-based): chr22:28,694,039, C>G on the plus strand (G>C on the coding strand, the complement: CHEK2 is on the minus strand). VCF-style: chr22-28694039-C-G. GRCh37 (hg19) VCF-style: chr22-29090027-C-G.
Other names: c.1583G>C, p.Trp528Ser (NM_001005735.3); c.791G>C, p.Trp264Ser (NM_001257387.3); c.1253G>C, p.Trp418Ser (NM_001349956.3); c.1367G>C, p.Trp456Ser (NM_145862.3); short protein forms W264S, W418S, W456S, W485S, W528S.
Identifiers: ClinVar variation 2177820 (VCV002177820.4), dbSNP rs1199577809, ClinGen allele CA411093945.
Genomic context (GRCh38, chr22:28,694,039, plus strand): 5'-GGCAGCAGGGCTTCCCATGTATTTTATGCTAGCAGGCACTGTCCCACACCCACCTGAAGC[C>G]ACGGGTGTCTTAAGGCTTCTTCTGTCGTAAAACGTGCCTTTGGATCCACTACCAACAACT-3'
Protein context (NP_009125.1, residues 475-495): FTTEEALRHP[Trp485Ser]LQDEDMKRKF

ClinVar aggregate classification (germline): Uncertain significance (1 of 4 stars; one submission).

Conditions:
Familial cancer of breast. Also called: Hereditary breast cancer; hereditary breast carcinoma; BREAST CANCER, FAMILIAL. Identifiers: Orphanet 227535, MedGen C0346153, MONDO:0016419, OMIM 114480. Disease mechanism: loss of function.

Submission:

Labcorp Genetics (formerly Invitae), Labcorp
Classification: Uncertain significance for Familial cancer of breast. Last evaluated: 2022-02-23. Review status: criteria provided, single submitter. Criteria: Invitae Variant Classification Sherloc (09022015). Collection method: clinical testing. Allele origin: germline.
Comment: In summary, the available evidence is currently insufficient to determine the role of this variant in disease. Therefore, it has been classified as a Variant of Uncertain Significance. Algorithms developed to predict the effect of missense changes on protein structure and function are either unavailable or do not agree on the potential impact of this missense change (SIFT: "Deleterious"; PolyPhen-2: "Probably Damaging"; Align-GVGD: "Class C0"). This variant has not been reported in the literature in individuals affected with CHEK2-related conditions. This variant is not present in population databases (gnomAD no frequency). This sequence change replaces tryptophan, which is neutral and slightly polar, with serine, which is neutral and polar, at codon 485 of the CHEK2 protein (p.Trp485Ser).